The following is an entry in ClinVar:

ClinVar aggregate classification (germline): Uncertain significance. Review status: criteria provided, multiple submitters, no conflicts (2 of 4 stars). 3 submissions from 3 submitters: Uncertain significance (3). Last evaluated 2026-07-28.

Conditions:
Hereditary cancer-predisposing syndrome. Also called: Hereditary Cancer Syndrome; Hereditary neoplastic syndrome; Neoplastic Syndromes, Hereditary; Tumor predisposition. Identifiers: Orphanet 140162, MedGen C0027672, MeSH D009386, MONDO:0015356.
Hereditary cancer. Identifiers: MedGen C1333600.
Renal cell carcinoma. Identifiers: Orphanet 217071, MedGen C0007134, MeSH D002292, MONDO:0005086, HP:0005584.

Allele frequency attached by ClinVar (database versions not stated): gnomAD exomes below 0.00001.
gnomAD v4.1: 2 of 1,613,462 alleles (0.00012%); highest among the groups gnomAD compares: South Asian, 0.0011%; no homozygotes.

Submissions (3):

Ambry Genetics
Classification: Uncertain significance for Hereditary cancer-predisposing syndrome. Last evaluated: 2026-07-28. Review status: criteria provided, single submitter. Criteria: Ambry Variant Classification Scheme 2023. Collection method: clinical testing. Allele origin: germline.
Comment: The p.S752Y variant (also known as c.2255C>A), located in coding exon 8 of the MET gene, results from a C to A substitution at nucleotide position 2255. The serine at codon 752 is replaced by tyrosine, an amino acid with dissimilar properties. This amino acid position is highly conserved in available vertebrate species. In addition, this alteration is predicted to be deleterious by in silico analysis. Based on the available evidence, the clinical significance of this variant remains unclear.

Labcorp Genetics (formerly Invitae), Labcorp
Classification: Uncertain significance for Renal cell carcinoma. Last evaluated: 2024-08-09. Review status: criteria provided, single submitter. Criteria: Invitae Variant Classification Sherloc (09022015). Collection method: clinical testing. Allele origin: germline.
Comment: This sequence change replaces serine, which is neutral and polar, with tyrosine, which is neutral and polar, at codon 752 of the MET protein (p.Ser752Tyr). This variant is present in population databases (no rsID available, gnomAD 0.0009%). This variant has not been reported in the literature in individuals affected with MET-related conditions. ClinVar contains an entry for this variant (Variation ID: 2453410). Advanced modeling of protein sequence and biophysical properties (such as structural, functional, and spatial information, amino acid conservation, physicochemical variation, residue mobility, and thermodynamic stability) performed at Invitae indicates that this missense variant is expected to disrupt MET protein function with a positive predictive value of 80%. In summary, the available evidence is currently insufficient to determine the role of this variant in disease. Therefore, it has been classified as a Variant of Uncertain Significance.

Mendelics
Classification: Uncertain significance for Hereditary cancer. Last evaluated: 2024-01-23. Review status: criteria provided, single submitter. Criteria: ACMG Guidelines, 2015. Collection method: clinical testing. Allele origin: unknown.

NM_000245.4(MET):c.2255C>A (p.Ser752Tyr)

Gene: MET (MET proto-oncogene, receptor tyrosine kinase; plus strand). Cytogenetic location: 7q31.2.
Variant type: single nucleotide variant.
Coding change: c.2255C>A on transcript NM_000245.4 (MANE Select); coding-DNA position 2255, C replaced by A.
Protein change: p.Ser752Tyr; replaces serine 752 with tyrosine.
Molecular consequence: missense variant.
Genome position (GRCh38, 1-based): chr7:116,758,611, C>A. VCF-style: chr7-116758611-C-A. GRCh37 (hg19) VCF-style: chr7-116398665-C-A.
Other names: c.2255C>A, p.Ser752Tyr (NM_001127500.3, NM_001324401.3); c.965C>A, p.Ser322Tyr (NM_001324402.2); short protein forms S322Y, S752Y.
Identifiers: ClinVar variation 2453410 (VCV002453410.7), dbSNP rs1351264833, ClinGen allele CA368980889.